The following is an entry in ClinVar:

NM_001199107.2(TBC1D24):c.890G>A (p.Arg297His)

Gene: TBC1D24 (TBC1 domain family member 24; plus strand). Cytogenetic location: 16p13.3.
Variant type: single nucleotide variant.
Coding change: c.890G>A on transcript NM_001199107.2 (MANE Select); coding-DNA position 890, G replaced by A.
Protein change: p.Arg297His; replaces arginine 297 with histidine.
Molecular consequence: missense variant.
Genome position (GRCh38, 1-based): chr16:2,497,038, G>A. VCF-style: chr16-2497038-G-A. GRCh37 (hg19) VCF-style: chr16-2547039-G-A.
Other names: c.890G>A, p.Arg297His (NM_020705.3); short protein forms R297H.
Identifiers: ClinVar variation 449816 (VCV000449816.16), dbSNP rs760666914, ClinGen allele CA276809641.

ClinVar aggregate classification (germline): Conflicting classifications of pathogenicity. Review status: criteria provided, conflicting classifications (1 of 4 stars). 4 submissions from 4 submitters: Likely pathogenic (1); Uncertain significance (3). Last evaluated 2026-01-31.

Conditions:
Autosomal recessive nonsyndromic hearing loss 86 (DFNB86). Also called: Deafness , autosomal recessive 86; TBC1D24-Related Autosomal Recessive Nonsyndromic Hearing Loss (DFNB). Identifiers: Orphanet 90636, MedGen C2829265, MONDO:0013826, OMIM 614617.
Autosomal dominant nonsyndromic hearing loss 65. Also called: TBC1D24-Related Autosomal Dominant Nonsyndromic Hearing Loss (DFNA); Deafness, autosomal dominant 65. Identifiers: Orphanet 90635, MedGen C3892048, MONDO:0014470, OMIM 616044.
Developmental and epileptic encephalopathy, 1 (DEE1). Also called: X-linked infantile spasms; West's syndrome; Tonic spasms with clustering, arrest of psychomotor development and hypsarrhythmia on EEG; X-Linked Infantile Spasm Syndrome; OHTAHARA SYNDROME, X-LINKED; INFANTILE SPASM SYNDROME, X-LINKED 1. Identifiers: MedGen C3463992, MONDO:0010632, OMIM 308350. Disease mechanism: loss of function.

Allele frequency attached by ClinVar (database versions not stated): TOPMed 0.00002; 1000 Genomes Project 30x 0.00016.
gnomAD v4.1: 24 of 1,613,274 alleles (0.0015%); highest among the groups gnomAD compares: Admixed American, 0.0033%; no homozygotes.

Submissions (4):

Labcorp Genetics (formerly Invitae), Labcorp
Classification: Uncertain significance for Developmental and epileptic encephalopathy, 1; Autosomal dominant nonsyndromic hearing loss 65. Last evaluated: 2026-01-31. Review status: criteria provided, single submitter. Criteria: Invitae Variant Classification Sherloc (09022015). Collection method: clinical testing. Allele origin: germline.
Comment: This sequence change replaces arginine, which is basic and polar, with histidine, which is basic and polar, at codon 297 of the TBC1D24 protein (p.Arg297His). This variant is present in population databases (no rsID available, gnomAD 0.007%). This variant has not been reported in the literature in individuals affected with TBC1D24-related conditions. ClinVar contains an entry for this variant (Variation ID: 449816). Invitae Evidence Modeling of protein sequence and biophysical properties (such as structural, functional, and spatial information, amino acid conservation, physicochemical variation, residue mobility, and thermodynamic stability) indicates that this missense variant is not expected to disrupt TBC1D24 protein function with a negative predictive value of 80%. In summary, the available evidence is currently insufficient to determine the role of this variant in disease. Therefore, it has been classified as a Variant of Uncertain Significance.

Blueprint Genetics
Classification: Uncertain significance. Last evaluated: 2023-07-12. Review status: criteria provided, single submitter. Criteria: ACMG Guidelines, 2015. Collection method: clinical testing. Allele origin: germline.

GeneDx
Classification: Uncertain significance. Last evaluated: 2017-07-17. Review status: criteria provided, single submitter. Criteria: GeneDx Variant Classification (06012015). Collection method: clinical testing. Allele origin: germline. Affected: yes.
Comment: A variant of uncertain significance has been identified in the TBC1D24 gene. The R297H variant has not been published in association with epilepsy to our knowledge. The R297H variant is not observed in large population cohorts (Lek et al., 2016; 1000 Genomes Consortium et al., 2015; Exome Variant Server). This substitution occurs at a position that is conserved across species. However, the R297H variant is a conservative amino acid substitution, which is not likely to impact secondary protein structure as these residues share similar properties. In silico analysis is inconsistent in its predictions as to whether or not the variant is damaging to the protein structure/function. Therefore, based on the currently available information, it is unclear whether this variant is a pathogenic variant or a rare benign variant.

Clinical Genetics Service, Universitary Hospital 12 de Octubre
Classification: Likely pathogenic for Autosomal recessive nonsyndromic hearing loss 86. Review status: criteria provided, single submitter. Criteria: ACMG Guidelines, 2015. Collection method: clinical testing. Allele origin: germline. Affected: yes.